The following is an entry in ClinVar:

NM_001291303.3(FAT4):c.4246A>G (p.Asn1416Asp)

Gene: FAT4 (FAT atypical cadherin 4; plus strand). Cytogenetic location: 4q28.1.
Variant type: single nucleotide variant.
Coding change: c.4246A>G on transcript NM_001291303.3 (MANE Select); coding-DNA position 4246, A replaced by G.
Protein change: p.Asn1416Asp; replaces asparagine 1416 with aspartic acid.
Molecular consequence: missense variant.
Genome position (GRCh38, 1-based): chr4:125,320,657, A>G. VCF-style: chr4-125320657-A-G. GRCh37 (hg19) VCF-style: chr4-126241812-A-G.
Other names: c.4246A>G, p.Asn1416Asp (NM_001291285.3, NM_024582.6); short protein forms N1416D.
Identifiers: ClinVar variation 3361818 (VCV003361818.1).
Genomic context (GRCh38, chr4:125,320,657, plus strand): 5'-GGAAGACCTCCTCGTTCATCTACAATGTCAGTGGTTATTCACGTGAGGGACTTTAATGAC[A>G]ATCCTCCTAGCTTTCCTCCTGGAGATATTTTCAAGTCTATTGTTGAGAACATTCCCATCG-3'
Protein context (NP_001278232.1, residues 1406-1426): VVIHVRDFND[Asn1416Asp]PPSFPPGDIF

ClinVar aggregate classification (germline): Uncertain significance (1 of 4 stars; one submission).

Submission:

GeneDx
Classification: Uncertain significance. Last evaluated: 2023-08-01. Review status: criteria provided, single submitter. Criteria: GeneDx Variant Classification Process June 2021. Collection method: clinical testing. Allele origin: germline. Affected: yes.
Comment: Not observed at significant frequency in large population cohorts (gnomAD); In silico analysis supports that this missense variant has a deleterious effect on protein structure/function; Has not been previously published as pathogenic or benign to our knowledge